The following is an entry in ClinVar:

ClinVar aggregate classification (germline): Uncertain significance (1 of 4 stars; one submission).

Submission:

Labcorp Genetics (formerly Invitae), Labcorp
Classification: Uncertain significance. Last evaluated: 2025-02-03. Review status: criteria provided, single submitter. Criteria: Invitae Variant Classification Sherloc (09022015). Collection method: clinical testing. Allele origin: germline.
Comment: This sequence change replaces glycine, which is neutral and non-polar, with alanine, which is neutral and non-polar, at codon 420 of the COL11A2 protein (p.Gly420Ala). This variant is not present in population databases (gnomAD no frequency). This variant has not been reported in the literature in individuals affected with COL11A2-related conditions. ClinVar contains an entry for this variant (Variation ID: 1517367). Invitae Evidence Modeling of protein sequence and biophysical properties (such as structural, functional, and spatial information, amino acid conservation, physicochemical variation, residue mobility, and thermodynamic stability) indicates that this missense variant is expected to disrupt COL11A2 protein function with a positive predictive value of 95%. In summary, the available evidence is currently insufficient to determine the role of this variant in disease. Therefore, it has been classified as a Variant of Uncertain Significance.

NM_080680.3(COL11A2):c.1259G>C (p.Gly420Ala)

Gene: COL11A2 (collagen type XI alpha 2 chain; minus strand). Cytogenetic location: 6p21.32.
Variant type: single nucleotide variant.
Coding change: c.1259G>C on transcript NM_080680.3 (MANE Select); coding-DNA position 1259, G replaced by C.
Protein change: p.Gly420Ala; replaces glycine 420 with alanine.
Molecular consequence: missense variant.
Genome position (GRCh38, 1-based): chr6:33,180,693, C>G on the plus strand (G>C on the coding strand, the complement: COL11A2 is on the minus strand). VCF-style: chr6-33180693-C-G. GRCh37 (hg19) VCF-style: chr6-33148470-C-G.
Other names: c.938G>C, p.Gly313Ala (NM_080679.3); c.1001G>C, p.Gly334Ala (NM_080681.3); short protein forms G334A, G420A, G313A.
Identifiers: ClinVar variation 1517367 (VCV001517367.8), dbSNP rs2150586335, ClinGen allele CA363606325.